The following is an entry in ClinVar:

ClinVar aggregate classification (germline): Uncertain significance. Review status: criteria provided, multiple submitters, no conflicts (2 of 4 stars). 3 submissions from 3 submitters: Uncertain significance (3). Last evaluated 2025-08-24.

Conditions:
Atrioventricular septal defect 5 (AVSD5). Identifiers: MedGen C3280939, MONDO:0013769, OMIM 614474.
Inborn genetic diseases. Identifiers: MedGen C0950123, MeSH D030342.

Allele frequency attached by ClinVar (database versions not stated): TOPMed below 0.00001; gnomAD exomes 0.00001.

Submissions (3):

Ambry Genetics
Classification: Uncertain significance for Inborn genetic diseases. Last evaluated: 2025-08-24. Review status: criteria provided, single submitter. Criteria: Ambry Variant Classification Scheme 2023. Collection method: clinical testing. Allele origin: germline.

Labcorp Genetics (formerly Invitae), Labcorp
Classification: Uncertain significance for Atrioventricular septal defect 5. Last evaluated: 2024-06-06. Review status: criteria provided, single submitter. Criteria: Invitae Variant Classification Sherloc (09022015). Collection method: clinical testing. Allele origin: germline.
Comment: This sequence change replaces serine, which is neutral and polar, with threonine, which is neutral and polar, at codon 208 of the GATA6 protein (p.Ser208Thr). This variant is present in population databases (no rsID available, gnomAD 0.04%). This variant has not been reported in the literature in individuals affected with GATA6-related conditions. Advanced modeling of protein sequence and biophysical properties (such as structural, functional, and spatial information, amino acid conservation, physicochemical variation, residue mobility, and thermodynamic stability) performed at Invitae indicates that this missense variant is not expected to disrupt GATA6 protein function with a negative predictive value of 80%. In summary, the available evidence is currently insufficient to determine the role of this variant in disease. Therefore, it has been classified as a Variant of Uncertain Significance.

GeneDx
Classification: Uncertain significance. Last evaluated: 2024-02-27. Review status: criteria provided, single submitter. Criteria: GeneDx Variant Classification Process June 2021. Collection method: clinical testing. Allele origin: germline. Affected: yes.
Comment: Not observed at significant frequency in large population cohorts (gnomAD); In silico analysis supports that this missense variant does not alter protein structure/function; Has not been previously published as pathogenic or benign to our knowledge

NM_005257.6(GATA6):c.622T>A (p.Ser208Thr)

Gene: GATA6 (GATA binding protein 6; plus strand). Cytogenetic location: 18q11.2.
Variant type: single nucleotide variant.
Coding change: c.622T>A on transcript NM_005257.6 (MANE Select); coding-DNA position 622, T replaced by A.
Protein change: p.Ser208Thr; replaces serine 208 with threonine.
Molecular consequence: missense variant.
Genome position (GRCh38, 1-based): chr18:22,171,766, T>A. VCF-style: chr18-22171766-T-A. GRCh37 (hg19) VCF-style: chr18-19751727-T-A.
Other names: c.622T>A (NM_005257.4, NM_005257.3); short protein forms S208T.
Identifiers: ClinVar variation 2775458 (VCV002775458.5), dbSNP rs1362778914, ClinGen allele CA401800210.